The following is an entry in ClinVar:

ClinVar aggregate classification (germline): Uncertain significance. Review status: criteria provided, multiple submitters, no conflicts (2 of 4 stars). 2 submissions from 2 submitters: Uncertain significance (2). Last evaluated 2024-03-06.

Conditions:
Arrhythmogenic right ventricular dysplasia 11. Also called: ARRHYTHMOGENIC RIGHT VENTRICULAR DYSPLASIA, FAMILIAL, 11; Arrhythmogenic Right Ventricular Dysplasia/Cardiomyopathy11; Arrhythmogenic right ventricular dysplasia 11 with mild palmoplantar keratoderma and woolly hair. Identifiers: MedGen C1864850, MONDO:0012506, OMIM 610476.
Cardiomyopathy (CMYO). Also called: Cardiomyopathies. Identifiers: Orphanet 167848, MedGen C0878544, MONDO:0004994, HP:0001638. Inheritance: Various modes of inheritance.

Submissions (2):

Color Diagnostics, LLC DBA Color Health
Classification: Uncertain significance for Cardiomyopathy. Last evaluated: 2024-03-06. Review status: criteria provided, single submitter. Criteria: ACMG Guidelines, 2015. Collection method: clinical testing. Allele origin: germline.
Comment: This missense variant replaces alanine with glycine at codon 895 of the DSC2 protein. Computational prediction tool is inconclusive regarding the impact of this variant on protein structure and function (internally defined REVEL score threshold 0.5 < inconclusive < 0.7, PMID: 27666373). Splice site prediction tools suggest that this variant may not impact RNA splicing. To our knowledge, functional studies have not been performed for this variant. This variant has not been reported in individuals affected with cardiovascular disorders in the literature. This variant has not been identified in the general population by the Genome Aggregation Database (gnomAD). The available evidence is insufficient to determine the role of this variant in disease conclusively. Therefore, this variant is classified as a Variant of Uncertain Significance.

Labcorp Genetics (formerly Invitae), Labcorp
Classification: Uncertain significance for Arrhythmogenic right ventricular dysplasia 11. Last evaluated: 2022-03-19. Review status: criteria provided, single submitter. Criteria: Invitae Variant Classification Sherloc (09022015). Collection method: clinical testing. Allele origin: germline.
Comment: This sequence change replaces alanine, which is neutral and non-polar, with glycine, which is neutral and non-polar, at codon 895 of the DSC2 protein (p.Ala895Gly). This variant is not present in population databases (gnomAD no frequency). This variant has not been reported in the literature in individuals affected with DSC2-related conditions. ClinVar contains an entry for this variant (Variation ID: 926923). Algorithms developed to predict the effect of missense changes on protein structure and function are either unavailable or do not agree on the potential impact of this missense change (SIFT: "Deleterious"; PolyPhen-2: "Probably Damaging"; Align-GVGD: "Class C0"). In summary, the available evidence is currently insufficient to determine the role of this variant in disease. Therefore, it has been classified as a Variant of Uncertain Significance.

NM_024422.6(DSC2):c.2684C>G (p.Ala895Gly)

Gene: DSC2 (desmocollin 2; minus strand). Cytogenetic location: 18q12.1.
Variant type: single nucleotide variant.
Coding change: c.2684C>G on transcript NM_024422.6 (MANE Select); coding-DNA position 2684, C replaced by G.
Protein change: p.Ala895Gly; replaces alanine 895 with glycine.
Molecular consequence: missense variant. On other transcripts: 3 prime UTR variant (1).
Genome position (GRCh38, 1-based): chr18:31,068,037, G>C on the plus strand (C>G on the coding strand, the complement: DSC2 is on the minus strand). VCF-style: chr18-31068037-G-C. GRCh37 (hg19) VCF-style: chr18-28648003-G-C.
Other names: c.*186C>G (NM_004949.5); short protein forms A895G.
Identifiers: ClinVar variation 926923 (VCV000926923.8), dbSNP rs1986685195, ClinGen allele CA402110006.